The following is an entry in ClinVar:

ClinVar aggregate classification (germline): Uncertain significance (1 of 4 stars; one submission).

Conditions:
Neurodevelopmental disorder with cerebellar atrophy and with or without seizures. Identifiers: MedGen C4748032, MONDO:0020841, OMIM 618056.

Submission:

3billion
Classification: Uncertain significance for Neurodevelopmental disorder with cerebellar atrophy and with or without seizures. Last evaluated: 2025-02-10. Review status: criteria provided, single submitter. Criteria: ACMG Guidelines, 2015. Collection method: clinical testing. Allele origin: germline. Affected: yes.
Comment: The variant is not observed in the gnomAD v4.1.0 dataset. Predicted Consequence/Location: Intron variant In silico tools predict the variant to alter splicing and produce an abnormal transcript [SpliceAI: 0.33 (>=0.2, moderate evidence for spliceogenicity)]. Therefore, this variant is classified as VUS according to the recommendation of ACMG/AMP guideline.

NM_152743.4(BRAT1):c.1597+6_1597+7del

Gene: BRAT1 (BRCA1 associated ATM activator 1; minus strand). Cytogenetic location: 7p22.3.
Variant type: Deletion.
Coding change: c.1597+6_1597+7del on transcript NM_152743.4 (MANE Select); bases 6 to 7 of the intron after coding-DNA position 1597, 2 bases deleted (TG; older notation c.1597+6_1597+7delTG).
Molecular consequence: intron variant.
Genome position (GRCh38, 1-based): chr7:2,539,537-2,539,538, CA deleted on the plus strand (TG on the coding strand, the reverse complement: BRAT1 is on the minus strand); deleting any 2 consecutive bases within chr7:2,539,537-2,539,539 gives the same sequence; the c. name uses the placement nearest the transcript's 3' end. VCF-style (leftmost placement, unchanged base first): chr7-2539536-GCA-G. GRCh37 (hg19) VCF-style: chr7-2579170-GCA-G.
Other names: c.1072+6_1072+7del (NM_001350627.2); c.1597+6_1597+7del (NM_001350626.2).
Identifiers: ClinVar variation 4292953 (VCV004292953.1).